The following is an entry in ClinVar:

ClinVar aggregate classification (germline): Uncertain significance. Review status: criteria provided, multiple submitters, no conflicts (2 of 4 stars). 3 submissions from 3 submitters: Uncertain significance (3). Last evaluated 2022-05-25.

Conditions:
Hereditary cancer-predisposing syndrome. Also called: Hereditary Cancer Syndrome; Neoplastic Syndromes, Hereditary; Hereditary neoplastic syndrome; Tumor predisposition. Identifiers: Orphanet 140162, MedGen C0027672, MeSH D009386, MONDO:0015356.
Juvenile polyposis syndrome (JPS). Identifiers: Orphanet 2929, MedGen C0345893, MONDO:0017380, OMIM 174900.

Allele frequency attached by ClinVar (database versions not stated): gnomAD exomes below 0.00001; ExAC 0.00001; gnomAD 0.00001; 1000 Genomes Project 30x 0.00016; 1000 Genomes Project 0.00020.
gnomAD v4.1: 1 of 1,614,156 alleles (0.000062%); highest among the groups gnomAD compares: African/African-American, 0.0013%; no homozygotes.

Submissions (3):

Labcorp Genetics (formerly Invitae), Labcorp
Classification: Uncertain significance for Juvenile polyposis syndrome. Last evaluated: 2022-05-25. Review status: criteria provided, single submitter. Criteria: Invitae Variant Classification Sherloc (09022015). Collection method: clinical testing. Allele origin: germline.
Comment: In summary, the available evidence is currently insufficient to determine the role of this variant in disease. Therefore, it has been classified as a Variant of Uncertain Significance. This variant disrupts the p.Arg480 amino acid residue in BMPR1A. Other variant(s) that disrupt this residue have been determined to be pathogenic (PMID: 18178612; Invitae). This suggests that this residue is clinically significant, and that variants that disrupt this residue are likely to be disease-causing. Algorithms developed to predict the effect of sequence changes on RNA splicing suggest that this variant may create or strengthen a splice site. Advanced modeling of protein sequence and biophysical properties (such as structural, functional, and spatial information, amino acid conservation, physicochemical variation, residue mobility, and thermodynamic stability) performed at Invitae indicates that this missense variant is expected to disrupt BMPR1A protein function. ClinVar contains an entry for this variant (Variation ID: 819216). This missense change has been observed in individual(s) with breast cancer (PMID: 29338689). This variant is present in population databases (rs535109719, gnomAD 0.007%). This sequence change replaces arginine, which is basic and polar, with glutamine, which is neutral and polar, at codon 480 of the BMPR1A protein (p.Arg480Gln).

Ambry Genetics
Classification: Uncertain significance for Hereditary cancer-predisposing syndrome. Last evaluated: 2021-11-22. Review status: criteria provided, single submitter. Criteria: Ambry Variant Classification Scheme 2023. Collection method: clinical testing. Allele origin: germline.
Comment: The p.R480Q variant (also known as c.1439G>A), located in coding exon 10 of the BMPR1A gene, results from a G to A substitution at nucleotide position 1439. The arginine at codon 480 is replaced by glutamine, an amino acid with highly similar properties. This amino acid position is highly conserved in available vertebrate species. In addition, the in silico prediction for this alteration is inconclusive. Since supporting evidence is limited at this time, the clinical significance of this alteration remains unclear.

Quest Diagnostics Nichols Institute San Juan Capistrano
Classification: Uncertain significance. Last evaluated: 2020-09-14. Review status: criteria provided, single submitter. Criteria: Quest Diagnostics criteria. Collection method: clinical testing. Allele origin: unknown.

Literature cited by the submitters: PubMed 18178612 (cited by Labcorp Genetics (formerly Invitae), Labcorp); PubMed 29338689 (cited by Labcorp Genetics (formerly Invitae), Labcorp).

NM_004329.3(BMPR1A):c.1439G>A (p.Arg480Gln)

Gene: BMPR1A (bone morphogenetic protein receptor type 1A; plus strand). Cytogenetic location: 10q23.2.
Variant type: single nucleotide variant.
Coding change: c.1439G>A on transcript NM_004329.3 (MANE Select); coding-DNA position 1439, G replaced by A.
Protein change: p.Arg480Gln; replaces arginine 480 with glutamine.
Molecular consequence: missense variant.
Genome position (GRCh38, 1-based): chr10:86,923,472, G>A. VCF-style: chr10-86923472-G-A. GRCh37 (hg19) VCF-style: chr10-88683229-G-A.
Other names: short protein forms R480Q.
Identifiers: ClinVar variation 819216 (VCV000819216.10), dbSNP rs535109719, ClinGen allele CA5585720.